The following is an entry in ClinVar:

ClinVar aggregate classification (germline): Uncertain significance (1 of 4 stars; one submission).

Conditions:
Pseudoxanthoma elasticum, forme fruste. Also called: Pseudoxanthoma Elasticum, Incomplete; PSEUDOXANTHOMA ELASTICUM, HETEROZYGOUS. Identifiers: Orphanet 758, MedGen C1867450, MONDO:0008333, OMIM 177850.

Submission:

OLLIN Analises Genomicas, OLLIN
Classification: Uncertain significance for Pseudoxanthoma elasticum, forme fruste. Last evaluated: 2026-08-06. Review status: criteria provided, single submitter. Criteria: ACMG Guidelines 2015 PMID 25741868. Collection method: clinical testing. Allele origin: germline. Inheritance: Autosomal recessive inheritance.
Comment: This missense variant, located in exon 29 (of 31), is absent from gnomAD and ClinVar and has not been identified in the literature. In silico analysis predicts that this variant has a deleterious effect. According to the currently available evidence, this variant has been classified as uncertain significance (PM2_P, PP3_M).

NM_001171.6(ABCC6):c.4042G>A (p.Asp1348Asn)

Gene: ABCC6 (ATP binding cassette subfamily C member 6; minus strand). Cytogenetic location: 16p13.11.
Variant type: single nucleotide variant.
Coding change: c.4042G>A on transcript NM_001171.6 (MANE Select); coding-DNA position 4042, G replaced by A.
Protein change: p.Asp1348Asn; replaces aspartic acid 1348 with asparagine.
Molecular consequence: missense variant. On other transcripts: non-coding transcript variant (4).
Genome position (GRCh38, 1-based): chr16:16,154,794, C>T on the plus strand (G>A on the coding strand, the complement: ABCC6 is on the minus strand). VCF-style: chr16-16154794-C-T. GRCh37 (hg19) VCF-style: chr16-16248651-C-T.
Other names: c.3700G>A, p.Asp1234Asn (NM_001351800.1); c.4009G>A, p.Asp1337Asn (NM_001440309.1); c.3874G>A, p.Asp1292Asn (NM_001440310.1); short protein forms D1337N, D1348N, D1234N, D1292N.
Identifiers: ClinVar variation 5003098 (VCV005003098.1).